The following is an entry in ClinVar:

NM_001458.5(FLNC):c.7709A>C (p.Asn2570Thr)

Genes: FLNC (filamin C; plus strand), FLNC-AS1 (FLNC antisense RNA 1; minus strand). Cytogenetic location: 7q32.1.
Variant type: single nucleotide variant.
Coding change: c.7709A>C on transcript NM_001458.5 (MANE Select); coding-DNA position 7709, A replaced by C.
Protein change: p.Asn2570Thr; replaces asparagine 2570 with threonine.
Molecular consequence: missense variant.
Genome position (GRCh38, 1-based): chr7:128,857,265, A>C. VCF-style: chr7-128857265-A-C. GRCh37 (hg19) VCF-style: chr7-128497319-A-C.
Other names: c.7610A>C, p.Asn2537Thr (NM_001127487.2); short protein forms N2570T, N2537T.
Identifiers: ClinVar variation 2091588 (VCV002091588.6), dbSNP rs1381739439, ClinGen allele CA369219774.

ClinVar aggregate classification (germline): Uncertain significance. Review status: criteria provided, multiple submitters, no conflicts (2 of 4 stars). 2 submissions from 2 submitters: Uncertain significance (2). Last evaluated 2023-06-28.

Conditions:
Hypertrophic cardiomyopathy 26. Also called: Cardiomyopathy, familial hypertrophic, 26. Identifiers: Orphanet 75249, MedGen C4310749, MONDO:0014883, OMIM 617047.
Myofibrillar myopathy 5. Also called: Filaminopathy (type); FILAMINOPATHY, AUTOSOMAL DOMINANT. Identifiers: Orphanet 171445, MedGen C1836050, MONDO:0012289, OMIM 609524.
Distal myopathy with posterior leg and anterior hand involvement. Also called: WILLIAMS DISTAL MYOPATHY. Identifiers: Orphanet 63273, MedGen C3279722, MONDO:0013550, OMIM 614065.
Cardiovascular phenotype. Identifiers: MedGen CN230736.

Submissions (2):

Ambry Genetics
Classification: Uncertain significance for Cardiovascular phenotype. Last evaluated: 2023-06-28. Review status: criteria provided, single submitter. Criteria: Ambry Variant Classification Scheme 2023. Collection method: clinical testing. Allele origin: germline.
Comment: The p.N2570T variant (also known as c.7709A>C), located in coding exon 46 of the FLNC gene, results from an A to C substitution at nucleotide position 7709. The asparagine at codon 2570 is replaced by threonine, an amino acid with similar properties. This amino acid position is conserved. In addition, this alteration is predicted to be tolerated by in silico analysis. Since supporting evidence is limited at this time, the clinical significance of this alteration remains unclear.

Labcorp Genetics (formerly Invitae), Labcorp
Classification: Uncertain significance for Distal myopathy with posterior leg and anterior hand involvement; Myofibrillar myopathy 5; Hypertrophic cardiomyopathy 26. Last evaluated: 2022-02-26. Review status: criteria provided, single submitter. Criteria: Invitae Variant Classification Sherloc (09022015). Collection method: clinical testing. Allele origin: germline.
Comment: In summary, the available evidence is currently insufficient to determine the role of this variant in disease. Therefore, it has been classified as a Variant of Uncertain Significance. Algorithms developed to predict the effect of missense changes on protein structure and function (SIFT, PolyPhen-2, Align-GVGD) all suggest that this variant is likely to be tolerated. This variant has not been reported in the literature in individuals affected with FLNC-related conditions. This variant is not present in population databases (gnomAD no frequency). This sequence change replaces asparagine, which is neutral and polar, with threonine, which is neutral and polar, at codon 2570 of the FLNC protein (p.Asn2570Thr).